The following is an entry in ClinVar:

ClinVar aggregate classification (germline): Uncertain significance (1 of 4 stars; one submission).

Conditions:
5-Oxoprolinase deficiency (OPLAHD). Also called: 5-OXOPROLINURIA DUE TO 5-OXOPROLINASE DEFICIENCY. Identifiers: Orphanet 33572, MedGen C0268525, MONDO:0009825, OMIM 260005, HP:0040142.

Allele frequency attached by ClinVar (database versions not stated): TOPMed 0.00005; gnomAD 0.00008; gnomAD exomes 0.00011; ExAC 0.00014.
gnomAD v4.1: 163 of 1,601,454 alleles (0.01%); highest among the groups gnomAD compares: South Asian, 0.023%; no homozygotes.

Submission:

Labcorp Genetics (formerly Invitae), Labcorp
Classification: Uncertain significance for 5-Oxoprolinase deficiency. Last evaluated: 2022-08-19. Review status: criteria provided, single submitter. Criteria: Invitae Variant Classification Sherloc (09022015). Collection method: clinical testing. Allele origin: germline.
Comment: This sequence change replaces arginine, which is basic and polar, with cysteine, which is neutral and slightly polar, at codon 185 of the OPLAH protein (p.Arg185Cys). This variant is present in population databases (rs781820857, gnomAD 0.02%). This variant has not been reported in the literature in individuals affected with OPLAH-related conditions. Algorithms developed to predict the effect of missense changes on protein structure and function are either unavailable or do not agree on the potential impact of this missense change (SIFT: "Not Available"; PolyPhen-2: "Benign"; Align-GVGD: "Not Available"). In summary, the available evidence is currently insufficient to determine the role of this variant in disease. Therefore, it has been classified as a Variant of Uncertain Significance.

NM_017570.5(OPLAH):c.553C>T (p.Arg185Cys)

Gene: OPLAH (5-oxoprolinase, ATP-hydrolysing; minus strand). Cytogenetic location: 8q24.3.
Variant type: single nucleotide variant.
Coding change: c.553C>T on transcript NM_017570.5 (MANE Select); coding-DNA position 553, C replaced by T.
Protein change: p.Arg185Cys; replaces arginine 185 with cysteine.
Molecular consequence: missense variant.
Genome position (GRCh38, 1-based): chr8:144,058,807, G>A on the plus strand (C>T on the coding strand, the complement: OPLAH is on the minus strand). VCF-style: chr8-144058807-G-A. GRCh37 (hg19) VCF-style: chr8-145113710-G-A.
Other names: short protein forms R185C.
Identifiers: ClinVar variation 2057706 (VCV002057706.1), dbSNP rs781820857, ClinGen allele CA4932253.